The following is an entry in ClinVar:

NM_001130438.3(SPTAN1):c.2129T>A (p.Leu710His)

Gene: SPTAN1 (spectrin alpha, non-erythrocytic 1; plus strand). Cytogenetic location: 9q34.11.
Variant type: single nucleotide variant.
Coding change: c.2129T>A on transcript NM_001130438.3 (MANE Select); coding-DNA position 2129, T replaced by A.
Protein change: p.Leu710His; replaces leucine 710 with histidine.
Molecular consequence: missense variant.
Genome position (GRCh38, 1-based): chr9:128,583,905, T>A. VCF-style: chr9-128583905-T-A. GRCh37 (hg19) VCF-style: chr9-131346184-T-A.
Other names: c.2129T>A, p.Leu710His (NM_001195532.2, NM_001363759.2, NM_001363765.2 and 5 more transcripts); c.2165T>A, p.Leu722His (NM_001375312.2, NM_001375318.1); short protein forms L710H, L722H.
Identifiers: ClinVar variation 3322414 (VCV003322414.5).

ClinVar aggregate classification (germline): Uncertain significance. Review status: criteria provided, multiple submitters, no conflicts (2 of 4 stars). 2 submissions from 2 submitters: Uncertain significance (2). Last evaluated 2026-02-01.

Conditions:
Inborn genetic diseases. Identifiers: MedGen C0950123, MeSH D030342.

Submissions (2):

CeGaT Center for Human Genetics Tuebingen
Classification: Uncertain significance. Last evaluated: 2026-02-01. Review status: criteria provided, single submitter. Criteria: CeGaT Center For Human Genetics Tuebingen Variant Classification Criteria Version 2. Collection method: clinical testing. Allele origin: germline. Affected: yes. Observed: 2 variant alleles.
Comment: SPTAN1: PM2, PP3

Ambry Genetics
Classification: Uncertain significance for Inborn genetic diseases. Last evaluated: 2024-05-07. Review status: criteria provided, single submitter. Criteria: Ambry Variant Classification Scheme 2023. Collection method: clinical testing. Allele origin: germline.